The following is an entry in ClinVar:

NM_024577.4(SH3TC2):c.*7292C>T

Gene: SH3TC2 (SH3 domain and tetratricopeptide repeats 2; minus strand). Cytogenetic location: 5q32.
Variant type: single nucleotide variant.
Coding change: c.*7292C>T on transcript NM_024577.4 (MANE Select); 7292 bases downstream of the stop codon, C replaced by T.
Molecular consequence: 3 prime UTR variant.
Genome position (GRCh38, 1-based): chr5:148,997,419, G>A on the plus strand (C>T on the coding strand, the complement: SH3TC2 is on the minus strand). VCF-style: chr5-148997419-G-A. GRCh37 (hg19) VCF-style: chr5-148376982-G-A.
Identifiers: ClinVar variation 351769 (VCV000351769.5), dbSNP rs1347130, ClinGen allele CA10623276.
Genomic context (GRCh38, chr5:148,997,419, plus strand): 5'-ACCAATCACTACTATAGGTCAAAGCTTTCTGTTCCTCCTTCTATTTTCCATTTGGGAAAT[G>A]CAGTCTCTCTTTTTTTCTAGGCTAAGTTACCTGACTGTGGTCAACAATAACACCAGTATT-3'

ClinVar aggregate classification (germline): Benign. Review status: criteria provided, single submitter (1 of 4 stars). 2 submissions from 1 submitter: Benign (2). Last evaluated 2018-01-13.

Conditions:
Susceptibility to mononeuropathy of the median nerve, mild. Also called: CARPAL TUNNEL SYNDROME, SUSCEPTIBILITY TO. Identifiers: MedGen C3150596, MONDO:0013237, OMIM 613353.
Charcot-Marie-Tooth disease type 4C (CMT4C). Also called: CHARCOT-MARIE-TOOTH DISEASE, DEMYELINATING, AUTOSOMAL RECESSIVE, TYPE 4C; CMT 4C; Charcot-Marie-Tooth Neuropathy Type 4C (CMT4C); CHARCOT-MARIE-TOOTH DISEASE, DEMYELINATING, TYPE 4C; SH3TC2-Related Hereditary Motor and Sensory Neuropathy. Identifiers: Orphanet 99949, MedGen C1866636, MONDO:0011113, OMIM 601596.

Allele frequency attached by ClinVar (database versions not stated): gnomAD 0.48901 and 0.49144; 1000 Genomes Project 0.49221; TOPMed 0.49314; 1000 Genomes Project 30x 0.49578.
gnomAD v4.1: 74,333 of 152,024 alleles (49%); highest among the groups gnomAD compares: African/African-American, 60%; 18,719 homozygotes.

Submissions (2):

Illumina Laboratory Services, Illumina
Classification: Benign for Charcot-Marie-Tooth disease type 4C. Last evaluated: 2018-01-13. Review status: criteria provided, single submitter. Criteria: ICSL Variant Classification Criteria 13 December 2019. Collection method: clinical testing. Allele origin: germline.
Comment: This variant was observed in the ICSL laboratory as part of a predisposition screen in an ostensibly healthy population. It had not been previously curated by ICSL or reported in the Human Gene Mutation Database (HGMD: prior to June 1st, 2018), and was therefore a candidate for classification through an automated scoring system. Utilizing variant allele frequency, disease prevalence and penetrance estimates, and inheritance mode, an automated score was calculated to assess if this variant is too frequent to cause the disease. Based on the score and internal cut-off values, a variant classified as benign is not then subjected to further curation. The score for this variant resulted in a classification of benign for this disease.

Illumina Laboratory Services, Illumina
Classification: Benign for Susceptibility to mononeuropathy of the median nerve, mild. Last evaluated: 2018-01-13. Review status: criteria provided, single submitter. Criteria: ICSL Variant Classification Criteria 13 December 2019. Collection method: clinical testing. Allele origin: germline.
Comment: the same text as in the submission from Illumina Laboratory Services, Illumina above.